The following is an entry in ClinVar:

ClinVar aggregate classification (germline): Uncertain significance (1 of 4 stars; one submission).

Conditions:
Fanconi anemia (FA). Also called: Fanconi's anemia. Identifiers: Orphanet 84, MedGen C0015625, MeSH D005199, MONDO:0019391.

Allele frequency attached by ClinVar (database versions not stated): gnomAD exomes below 0.00001.
gnomAD v4.1: 1 of 1,614,128 alleles (0.000062%); highest among the groups gnomAD compares: Non-Finnish European, 0.000085%; no homozygotes.

Submission:

Labcorp Genetics (formerly Invitae), Labcorp
Classification: Uncertain significance for Fanconi anemia. Last evaluated: 2020-10-29. Review status: criteria provided, single submitter. Criteria: Invitae Variant Classification Sherloc (09022015). Collection method: clinical testing. Allele origin: germline.
Comment: In summary, the available evidence is currently insufficient to determine the role of this variant in disease. Therefore, it has been classified as a Variant of Uncertain Significance. Algorithms developed to predict the effect of missense changes on protein structure and function are either unavailable or do not agree on the potential impact of this missense change (SIFT: "Deleterious"; PolyPhen-2: "Possibly Damaging"; Align-GVGD: "Class C0"). This variant has not been reported in the literature in individuals with FANCD2-related conditions. This variant is not present in population databases (ExAC no frequency). This sequence change replaces arginine with isoleucine at codon 1007 of the FANCD2 protein (p.Arg1007Ile). The arginine residue is moderately conserved and there is a moderate physicochemical difference between arginine and isoleucine.

NM_001018115.3(FANCD2):c.3020G>T (p.Arg1007Ile)

Gene: FANCD2 (FA complementation group D2; plus strand). Cytogenetic location: 3p25.3.
Variant type: single nucleotide variant.
Coding change: c.3020G>T on transcript NM_001018115.3 (MANE Select); coding-DNA position 3020, G replaced by T.
Protein change: p.Arg1007Ile; replaces arginine 1007 with isoleucine.
Molecular consequence: missense variant.
Genome position (GRCh38, 1-based): chr3:10,081,143, G>T. VCF-style: chr3-10081143-G-T. GRCh37 (hg19) VCF-style: chr3-10122827-G-T.
Other names: c.3020G>T, p.Arg1007Ile (NM_001319984.2, NM_001374254.1, NM_033084.6); c.2909G>T, p.Arg970Ile (NM_001374253.1); short protein forms R1007I, R970I.
Identifiers: ClinVar variation 1055481 (VCV001055481.9), dbSNP rs901861823, ClinGen allele CA351747341.